The following is an entry in ClinVar:

NM_000023.4(SGCA):c.541C>T (p.Arg181Cys)

Gene: SGCA (sarcoglycan alpha; plus strand). Cytogenetic location: 17q21.33.
Variant type: single nucleotide variant.
Coding change: c.541C>T on transcript NM_000023.4 (MANE Select); coding-DNA position 541, C replaced by T.
Protein change: p.Arg181Cys; replaces arginine 181 with cysteine.
Molecular consequence: missense variant. On other transcripts: non-coding transcript variant (1).
Genome position (GRCh38, 1-based): chr17:50,168,529, C>T. VCF-style: chr17-50168529-C-T. GRCh37 (hg19) VCF-style: chr17-48245890-C-T.
Other names: c.541C>T, p.Arg181Cys (NM_001135697.3); c.541C>T (NM_000023.3); short protein forms R181C.
Identifiers: ClinVar variation 597557 (VCV000597557.18), dbSNP rs574376340, ClinGen allele CA8643820.

ClinVar aggregate classification (germline): Uncertain significance. Review status: criteria provided, multiple submitters, no conflicts (2 of 4 stars). 8 submissions from 8 submitters: Uncertain significance (7). 1 of the submissions does not count toward it. Last evaluated 2026-06-30.

Conditions:
Autosomal recessive limb-girdle muscular dystrophy type 2D (LGMDR3). Also called: MUSCULAR DYSTROPHY, LIMB-GIRDLE, AUTOSOMAL RECESSIVE 3; DUCHENNE-LIKE AUTOSOMAL RECESSIVE MUSCULAR DYSTROPHY, TYPE 2; ADHALINOPATHY, PRIMARY. Identifiers: Orphanet 62, MedGen C2936332, MONDO:0011968, OMIM 608099. Disease mechanism: Affects gamma-sarcoglycan and also disrupts the integrity of the entire sarcoglycan complex..

Allele frequency attached by ClinVar (database versions not stated): TOPMed 0.00008; 1000 Genomes Project 0.00040; 1000 Genomes Project 30x 0.00047.
gnomAD v4.1: 48 of 1,576,054 alleles (0.003%); highest among the groups gnomAD compares: Admixed American, 0.055%; 1 homozygote.

Submissions (8):

Women's Health and Genetics/Laboratory Corporation of America, LabCorp
Classification: Uncertain significance. Last evaluated: 2026-06-30. Review status: criteria provided, single submitter. Criteria: LabCorp Variant Classification Summary - May 2015. Collection method: clinical testing. Allele origin: germline.
Comment: Variant summary: SGCA c.541C>T (p.Arg181Cys) results in a non-conservative amino acid change in the encoded protein sequence. Algorithms developed to predict the effect of missense changes on protein structure and function all suggest that this variant is likely to be disruptive. The variant allele was found at a frequency of 3.7e-05 in 187924 control chromosomes, predominantly at a frequency of 0.00022 within the Latino subpopulation in the gnomAD database. The available data on variant occurrences in the general population are insufficient to allow any conclusion about variant significance. c.541C>T has been reported in the literature in a compound heterozygous individual who carried a second (likely) pathogenic variant in trans and was affected with muscular dystrophy (Boito_2003). These data do not allow any conclusion about variant significance. To our knowledge, no experimental evidence demonstrating an impact on protein function has been reported. The following publications have been ascertained in the context of this evaluation (PMID: 12746421, 24742800). ClinVar contains an entry for this variant (Variation ID: 597557). Based on the evidence outlined above, the variant was classified as uncertain significance.

Labcorp Genetics (formerly Invitae), Labcorp
Classification: Uncertain significance for Autosomal recessive limb-girdle muscular dystrophy type 2D. Last evaluated: 2025-12-16. Review status: criteria provided, single submitter. Criteria: Invitae Variant Classification Sherloc (09022015). Collection method: clinical testing. Allele origin: germline.
Comment: This sequence change replaces arginine, which is basic and polar, with cysteine, which is neutral and slightly polar, at codon 181 of the SGCA protein (p.Arg181Cys). The frequency data for this variant in the population databases is considered unreliable, as metrics indicate poor data quality at this position in the gnomAD database. This missense change has been observed in individual(s) with sarcoglycanopathy (PMID: 12746421). ClinVar contains an entry for this variant (Variation ID: 597557). Invitae Evidence Modeling of protein sequence and biophysical properties (such as structural, functional, and spatial information, amino acid conservation, physicochemical variation, residue mobility, and thermodynamic stability) indicates that this missense variant is expected to disrupt SGCA protein function with a positive predictive value of 95%. In summary, the available evidence is currently insufficient to determine the role of this variant in disease. Therefore, it has been classified as a Variant of Uncertain Significance.

Myriad Genetics, Inc.
Classification: Uncertain significance for Autosomal recessive limb-girdle muscular dystrophy type 2D. Last evaluated: 2025-08-18. Review status: criteria provided, single submitter. Criteria: Myriad Autosomal Dominant, Autosomal Recessive and X-Linked Classification Criteria (2023). Collection method: clinical testing. Allele origin: unknown.
Comment: NM_000023.2(SGCA):c.541C>T(R181C) is a missense variant classified as a variant of uncertain significance in the context of alpha-sarcoglycanopathy. R181C has been observed in a case with relevant disease (PMID: 12746421). Relevant functional assessments of this variant are not available in the literature. R181C has been observed in referenced population frequency databases. In summary, there is insufficient evidence to classify NM_000023.2(SGCA):c.541C>T(R181C) as pathogenic or benign. Please note: this variant was assessed in the context of healthy population screening.

Genome-Nilou Lab
Classification: Uncertain significance for Autosomal recessive limb-girdle muscular dystrophy type 2D. Last evaluated: 2023-02-08. Review status: criteria provided, single submitter. Criteria: ACMG Guidelines, 2015. Collection method: clinical testing. Allele origin: germline.

Revvity Omics, Revvity
Classification: Uncertain significance for Autosomal recessive limb-girdle muscular dystrophy type 2D. Last evaluated: 2022-08-10. Review status: criteria provided, single submitter. Criteria: ACMG Guidelines, 2015. Collection method: clinical testing. Allele origin: germline.

Fulgent Genetics
Classification: Uncertain significance for Autosomal recessive limb-girdle muscular dystrophy type 2D. Last evaluated: 2021-10-20. Review status: criteria provided, single submitter. Criteria: ACMG Guidelines, 2015. Collection method: clinical testing. Allele origin: unknown.

Eurofins Ntd Llc (ga)
Classification: Uncertain significance. Last evaluated: 2018-06-19. Review status: criteria provided, single submitter. Criteria: EGL ClinVar v180209 classification definitions. Collection method: clinical testing. Allele origin: germline. Observed: 3 variant alleles, 3 heterozygotes.

Natera, Inc.
Classification: Uncertain significance for Limb-girdle muscular dystrophy type 2D. Last evaluated: 2020-09-16. Review status: no assertion criteria provided. Collection method: clinical testing. Allele origin: germline. Not counted in ClinVar's aggregate classification.

Literature cited by the submitters: PubMed 12746421 (cited by 4 submitters); PubMed 24742800 (cited by Women's Health and Genetics/Laboratory Corporation of America, LabCorp).